The following is an entry in ClinVar:

ClinVar aggregate classification (germline): Benign. Review status: criteria provided, multiple submitters, no conflicts (2 of 4 stars). 4 submissions from 4 submitters: Benign (4). Last evaluated 2021-04-07.

Conditions:
Dicarboxylic aminoaciduria (DCBXA). Also called: GLUTAMATE-ASPARTATE TRANSPORT DEFECT. Identifiers: Orphanet 2195, MedGen C1857253, MONDO:0009110, OMIM 222730.

Allele frequency attached by ClinVar (database versions not stated): gnomAD exomes 0.32050 and 0.36340; ESP Exome Variant Server 0.35414; ExAC 0.36374; TOPMed 0.38115; gnomAD 0.38224 and 0.38331; 1000 Genomes Project 30x 0.45550; 1000 Genomes Project 0.45827.

Submissions (4):

Mayo Clinic Laboratories, Mayo Clinic
Classification: Benign. Last evaluated: 2021-04-07. Review status: criteria provided, single submitter. Criteria: ACMG Guidelines, 2015. Collection method: clinical testing. Allele origin: germline. Observed: 1 variant allele.

GeneDx
Classification: Benign. Last evaluated: 2018-11-12. Review status: criteria provided, single submitter. Criteria: GeneDx Variant Classification Process June 2021. Collection method: clinical testing. Allele origin: germline. Affected: yes.

Illumina Laboratory Services, Illumina
Classification: Benign for Dicarboxylic aminoaciduria. Last evaluated: 2018-01-13. Review status: criteria provided, single submitter. Criteria: ICSL Variant Classification Criteria 13 December 2019. Collection method: clinical testing. Allele origin: germline.
Comment: This variant was observed in the ICSL laboratory as part of a predisposition screen in an ostensibly healthy population. It had not been previously curated by ICSL or reported in the Human Gene Mutation Database (HGMD: prior to June 1st, 2018), and was therefore a candidate for classification through an automated scoring system. Utilizing variant allele frequency, disease prevalence and penetrance estimates, and inheritance mode, an automated score was calculated to assess if this variant is too frequent to cause the disease. Based on the score and internal cut-off values, a variant classified as benign is not then subjected to further curation. The score for this variant resulted in a classification of benign for this disease.

Breakthrough Genomics
Classification: Benign. Review status: criteria provided, single submitter. Criteria: ACMG Guidelines, 2015. Collection method: not provided. Allele origin: germline. Inheritance: Autosomal recessive inheritance. Affected: yes.

NM_004170.6(SLC1A1):c.1110T>C (p.Thr370=)

Gene: SLC1A1 (solute carrier family 1 member 1; plus strand). Cytogenetic location: 9p24.2.
Variant type: single nucleotide variant.
Coding change: c.1110T>C on transcript NM_004170.6 (MANE Select); coding-DNA position 1110, T replaced by C.
Protein change: p.Thr370=; no amino-acid change (threonine 370 retained).
Molecular consequence: synonymous variant.
Genome position (GRCh38, 1-based): chr9:4,576,680, T>C. VCF-style: chr9-4576680-T-C. GRCh37 (hg19) VCF-style: chr9-4576680-T-C.
Other names: p.Thr370=.
Identifiers: ClinVar variation 367052 (VCV000367052.9), dbSNP rs301430, ClinGen allele CA4969234.